The following is an entry in ClinVar:

NM_000548.5(TSC2):c.4965G>C (p.Glu1655Asp)

Gene: TSC2 (TSC complex subunit 2; plus strand). Cytogenetic location: 16p13.3.
Variant type: single nucleotide variant.
Coding change: c.4965G>C on transcript NM_000548.5 (MANE Select); coding-DNA position 4965, G replaced by C.
Protein change: p.Glu1655Asp; replaces glutamic acid 1655 with aspartic acid.
Molecular consequence: missense variant. On other transcripts: non-coding transcript variant (5).
Genome position (GRCh38, 1-based): chr16:2,086,847, G>C. VCF-style: chr16-2086847-G-C. GRCh37 (hg19) VCF-style: chr16-2136848-G-C.
Other names: c.4764G>C, p.Glu1588Asp (NM_001077183.3); c.4896G>C, p.Glu1632Asp (NM_001114382.3); c.4656G>C, p.Glu1552Asp (NM_001318827.2); c.4620G>C, p.Glu1540Asp (NM_001318829.2); c.4233G>C, p.Glu1411Asp (NM_001318831.2); c.4797G>C, p.Glu1599Asp (NM_001318832.2); c.4767G>C, p.Glu1589Asp (NM_001363528.2); c.4749G>C, p.Glu1583Asp (NM_001406675.1); and 26 more; short protein forms E1140D, E1163D, E1551D, E1552D, E1582D, E1588D, E1611D, E1388D.
Identifiers: ClinVar variation 5031313 (VCV005031313.1).

ClinVar aggregate classification (germline): Uncertain significance (1 of 4 stars; one submission).

Conditions:
Hereditary cancer-predisposing syndrome. Also called: Neoplastic Syndromes, Hereditary; Tumor predisposition; Hereditary neoplastic syndrome; Hereditary Cancer Syndrome. Identifiers: Orphanet 140162, MedGen C0027672, MeSH D009386, MONDO:0015356.

Submission:

Ambry Genetics
Classification: Uncertain significance for Hereditary cancer-predisposing syndrome. Last evaluated: 2026-07-02. Review status: criteria provided, single submitter. Criteria: Ambry Variant Classification Scheme 2023. Collection method: clinical testing. Allele origin: germline.
Comment: The p.E1655D variant (also known as c.4965G>C), located in coding exon 37 of the TSC2 gene, results from a G to C substitution at nucleotide position 4965. The glutamic acid at codon 1655 is replaced by aspartic acid, an amino acid with highly similar properties. This amino acid position is conserved. In addition, this alteration is predicted to be deleterious by in silico analysis. Based on the available evidence, the clinical significance of this variant remains unclear.